The following is an entry in ClinVar:

NM_002234.4(KCNA5):c.744C>T (p.Ser248=)

Gene: KCNA5 (potassium voltage-gated channel subfamily A member 5; plus strand). Cytogenetic location: 12p13.32.
Variant type: single nucleotide variant.
Coding change: c.744C>T on transcript NM_002234.4 (MANE Select); coding-DNA position 744, C replaced by T.
Protein change: p.Ser248=; no amino-acid change (serine 248 retained).
Molecular consequence: synonymous variant.
Genome position (GRCh38, 1-based): chr12:5,044,891, C>T. VCF-style: chr12-5044891-C-T. GRCh37 (hg19) VCF-style: chr12-5154057-C-T.
Identifiers: ClinVar variation 3612677 (VCV003612677.2).

ClinVar aggregate classification (germline): Uncertain significance (1 of 4 stars; one submission).

Conditions:
Atrial fibrillation, familial, 7 (ATFB7). Identifiers: MedGen C2677106, MONDO:0012828, OMIM 612240.

Submission:

Labcorp Genetics (formerly Invitae), Labcorp
Classification: Uncertain significance for Atrial fibrillation, familial, 7. Last evaluated: 2024-04-29. Review status: criteria provided, single submitter. Criteria: Invitae Variant Classification Sherloc (09022015). Collection method: clinical testing. Allele origin: germline.
Comment: This sequence change affects codon 248 of the KCNA5 mRNA. It is a 'silent' change, meaning that it does not change the encoded amino acid sequence of the KCNA5 protein. This variant is not present in population databases (gnomAD no frequency). This variant has not been reported in the literature in individuals affected with KCNA5-related conditions. In summary, the available evidence is currently insufficient to determine the role of this variant in disease. Therefore, it has been classified as a Variant of Uncertain Significance.